The following is an entry in ClinVar:

ClinVar aggregate classification (germline): Uncertain significance (1 of 4 stars; one submission).

Allele frequency attached by ClinVar (database versions not stated): gnomAD exomes below 0.00001 and 0.00001; TOPMed below 0.00001.
gnomAD v4.1: 7 of 1,612,868 alleles (0.00043%); highest among the groups gnomAD compares: Admixed American, 0.0017%; no homozygotes.

Submission:

Labcorp Genetics (formerly Invitae), Labcorp
Classification: Uncertain significance. Last evaluated: 2021-03-29. Review status: criteria provided, single submitter. Criteria: Invitae Variant Classification Sherloc (09022015). Collection method: clinical testing. Allele origin: germline.
Comment: In summary, the available evidence is currently insufficient to determine the role of this variant in disease. Therefore, it has been classified as a Variant of Uncertain Significance. Algorithms developed to predict the effect of missense changes on protein structure and function output the following: SIFT: "Tolerated"; PolyPhen-2: "Not Available"; Align-GVGD: "Class C0". The valine amino acid residue is found in multiple mammalian species, suggesting that this missense change does not adversely affect protein function. These predictions have not been confirmed by published functional studies and their clinical significance is uncertain. This variant has not been reported in the literature in individuals with PCLO-related conditions. This variant is not present in population databases (ExAC no frequency). This sequence change replaces isoleucine with valine at codon 4975 of the PCLO protein (p.Ile4975Val). The isoleucine residue is weakly conserved and there is a small physicochemical difference between isoleucine and valine.

NM_033026.6(PCLO):c.14923A>G (p.Ile4975Val)

Genes: PCLO (piccolo presynaptic cytomatrix protein; minus strand), LOC126860089 (MED14-independent group 3 enhancer GRCh37_chr7:82434470-82435669; plus strand). Cytogenetic location: 7q21.11.
Variant type: single nucleotide variant.
Coding change: c.14923A>G on transcript NM_033026.6 (MANE Select); coding-DNA position 14923, A replaced by G.
Protein change: p.Ile4975Val; replaces isoleucine 4975 with valine.
Molecular consequence: missense variant.
Genome position (GRCh38, 1-based): chr7:82,805,698, T>C on the plus strand (A>G on the coding strand, the complement: PCLO is on the minus strand). VCF-style: chr7-82805698-T-C. GRCh37 (hg19) VCF-style: chr7-82435014-T-C.
Other names: short protein forms I4975V.
Identifiers: ClinVar variation 1517720 (VCV001517720.6), dbSNP rs1398072529, ClinGen allele CA368018423.